The following is an entry in ClinVar:

NC_000009.11:g.(?_35683156)_(35689814_?)dup

Gene: TPM2 (tropomyosin 2; minus strand). Cytogenetic location: 9p13.3.
Variant type: Duplication.
Identifiers: ClinVar variation 3245096 (VCV003245096.1).

ClinVar aggregate classification (germline): Uncertain significance (1 of 4 stars; one submission).

Conditions:
Arthrogryposis, distal, type 1A. Also called: ARTHROGRYPOSIS MULTIPLEX CONGENITA, DISTAL, TYPE I. Identifiers: Orphanet 1146, MedGen C6022280, MONDO:0007157, OMIM 108120.

Submission:

Labcorp Genetics (formerly Invitae), Labcorp
Classification: Uncertain significance for Arthrogryposis, distal, type 1A. Last evaluated: 2023-12-11. Review status: criteria provided, single submitter. Criteria: Invitae Variant Classification Sherloc (09022015). Collection method: clinical testing. Allele origin: unknown.
Comment: A copy number gain of the genomic region encompassing the full coding sequence of the TPM2 gene has been identified. The boundaries of this event are unknown as they extend beyond the assayed region for this gene and therefore may encompass additional genes. As the precise location of this event is unknown, it may be in tandem or it may be located elsewhere in the genome. This variant has not been reported in the literature in individuals affected with TPM2-related conditions. In summary, the available evidence is currently insufficient to determine the role of this variant in disease. Therefore, it has been classified as a Variant of Uncertain Significance.